The following is an entry in ClinVar:

ClinVar aggregate classification (germline): Conflicting classifications of pathogenicity. Review status: criteria provided, conflicting classifications (1 of 4 stars). 4 submissions from 4 submitters: Uncertain significance (1); Likely benign (2). 1 of the submissions does not count toward it. Last evaluated 2025-07-30.

Conditions:
Hereditary cancer-predisposing syndrome. Also called: Hereditary neoplastic syndrome; Hereditary Cancer Syndrome; Neoplastic Syndromes, Hereditary; Tumor predisposition. Identifiers: Orphanet 140162, MedGen C0027672, MeSH D009386, MONDO:0015356.
Colorectal cancer, susceptibility to, 12 (CRCS12). Also called: COLORECTAL CANCER, SUSCEPTIBILITY TO, ON CHROMOSOME 12q24. Identifiers: Orphanet 220460, MedGen C3554460, MONDO:0014038, OMIM 615083.

Allele frequency attached by ClinVar (database versions not stated): ExAC 0.00007; TOPMed 0.00009; gnomAD exomes 0.00010 and 0.00018; gnomAD 0.00011; ESP Exome Variant Server 0.00023.
gnomAD v4.1: 283 of 1,614,096 alleles (0.018%); highest among the groups gnomAD compares: Non-Finnish European, 0.023%; no homozygotes.

Submissions (4):

Labcorp Genetics (formerly Invitae), Labcorp
Classification: Uncertain significance. Last evaluated: 2025-07-30. Review status: criteria provided, single submitter. Criteria: Invitae Variant Classification Sherloc (09022015). Collection method: clinical testing. Allele origin: germline.
Comment: This sequence change replaces alanine, which is neutral and non-polar, with valine, which is neutral and non-polar, at codon 1224 of the POLE protein (p.Ala1224Val). This variant is present in population databases (rs375208564, gnomAD 0.02%). This variant has not been reported in the literature in individuals affected with POLE-related conditions. ClinVar contains an entry for this variant (Variation ID: 374968). Invitae Evidence Modeling of protein sequence and biophysical properties (such as structural, functional, and spatial information, amino acid conservation, physicochemical variation, residue mobility, and thermodynamic stability) indicates that this missense variant is not expected to disrupt POLE protein function with a negative predictive value of 80%. In summary, the available evidence is currently insufficient to determine the role of this variant in disease. Therefore, it has been classified as a Variant of Uncertain Significance.

Ambry Genetics
Classification: Likely benign for Hereditary cancer-predisposing syndrome. Last evaluated: 2024-10-17. Review status: criteria provided, single submitter. Criteria: Ambry Variant Classification Scheme 2023. Collection method: clinical testing. Allele origin: germline.

Sema4
Classification: Likely benign for Hereditary cancer-predisposing syndrome. Last evaluated: 2020-12-15. Review status: criteria provided, single submitter. Criteria: Sema4 Curation Guidelines. Collection method: curation. Allele origin: germline.

Knight Diagnostic Laboratories, Oregon Health and Sciences University
Classification: Uncertain significance for Colorectal cancer, susceptibility to, 12. Last evaluated: 2015-12-04. Review status: no assertion criteria provided. Criteria: ACMG Guidelines, 2015. Collection method: clinical testing. Allele origin: germline. Affected: no. Study: CSER-NextGen. Not counted in ClinVar's aggregate classification.

NM_006231.4(POLE):c.3671C>T (p.Ala1224Val)

Gene: POLE (DNA polymerase epsilon, catalytic subunit; minus strand). Cytogenetic location: 12q24.33.
Variant type: single nucleotide variant.
Coding change: c.3671C>T on transcript NM_006231.4 (MANE Select); coding-DNA position 3671, C replaced by T.
Protein change: p.Ala1224Val; replaces alanine 1224 with valine.
Molecular consequence: missense variant.
Genome position (GRCh38, 1-based): chr12:132,649,801, G>A on the plus strand (C>T on the coding strand, the complement: POLE is on the minus strand). VCF-style: chr12-132649801-G-A. GRCh37 (hg19) VCF-style: chr12-133226387-G-A.
Other names: short protein forms A1224V.
Identifiers: ClinVar variation 374968 (VCV000374968.4), dbSNP rs375208564, ClinGen allele CA6893146.
Genomic context (GRCh38, chr12:132,649,801, plus strand): 5'-TCCTGGGACTCCTCCTGGCTCTCCCAAAGAACTCGCTTCCTCTTCACAGTGACAGGGGCT[G>A]CTGGGTGAGGCAGCTTTACGAGGCCGAAGTCCTCCATGTCAGGAGCACTTGGCCTCGGAC-3'
Protein context (NP_006222.2, residues 1214-1234): DFGLVKLPHP[Ala1224Val]APVTVKRKRV